The following is an entry in ClinVar:

ClinVar aggregate classification (germline): Uncertain significance (1 of 4 stars; one submission).

Conditions:
Developmental and epileptic encephalopathy, 11 (DEE11). Also called: Early infantile epileptic encephalopathy 11. Identifiers: Orphanet 1934, MedGen C3150987, MONDO:0013388, OMIM 613721.
Seizures, benign familial infantile, 3 (BFIS3). Also called: Familial neonatal seizures; CONVULSIONS, BENIGN FAMILIAL INFANTILE, 3. Identifiers: Orphanet 140927, Orphanet 306, MedGen C1843140, MONDO:0011904, OMIM 607745.

Submission:

Labcorp Genetics (formerly Invitae), Labcorp
Classification: Uncertain significance for Seizures, benign familial infantile, 3; Developmental and epileptic encephalopathy, 11. Last evaluated: 2023-07-19. Review status: criteria provided, single submitter. Criteria: Invitae Variant Classification Sherloc (09022015). Collection method: clinical testing. Allele origin: germline.
Comment: This variant has not been reported in the literature in individuals affected with SCN2A-related conditions. This variant is not present in population databases (gnomAD no frequency). This sequence change replaces threonine, which is neutral and polar, with isoleucine, which is neutral and non-polar, at codon 1057 of the SCN2A protein (p.Thr1057Ile). Advanced modeling of protein sequence and biophysical properties (such as structural, functional, and spatial information, amino acid conservation, physicochemical variation, residue mobility, and thermodynamic stability) has been performed at Invitae for this missense variant, however the output from this modeling did not meet the statistical confidence thresholds required to predict the impact of this variant on SCN2A protein function. In summary, the available evidence is currently insufficient to determine the role of this variant in disease. Therefore, it has been classified as a Variant of Uncertain Significance.

NM_001040142.2(SCN2A):c.3170C>T (p.Thr1057Ile)

Gene: SCN2A (sodium voltage-gated channel alpha subunit 2; plus strand). Cytogenetic location: 2q24.3.
Variant type: single nucleotide variant.
Coding change: c.3170C>T on transcript NM_001040142.2 (MANE Select); coding-DNA position 3170, C replaced by T.
Protein change: p.Thr1057Ile; replaces threonine 1057 with isoleucine.
Molecular consequence: missense variant.
Genome position (GRCh38, 1-based): chr2:165,354,442, C>T. VCF-style: chr2-165354442-C-T. GRCh37 (hg19) VCF-style: chr2-166210952-C-T.
Other names: c.3170C>T, p.Thr1057Ile (NM_001040143.2, NM_001371246.1, NM_001371247.1 and 1 more transcripts); short protein forms T1057I.
Identifiers: ClinVar variation 2950085 (VCV002950085.3), dbSNP rs2468036220, ClinGen allele CA349020997.
Genomic context (GRCh38, chr2:165,354,442, plus strand): 5'-ATGAAATTAAACCGCTTGAAGATCTAAATAATAAAAAAGACAGCTGTATTTCCAACCATA[C>T]CACCATAGAAATAGGCAAAGACCTCAATTATCTCAAAGACGGAAATGGAACTACTAGTGG-3'
Protein context (NP_001035232.1, residues 1047-1067): NKKDSCISNH[Thr1057Ile]TIEIGKDLNY